The following is an entry in ClinVar:

NM_206933.4(USH2A):c.4758+3A>G

Gene: USH2A (usherin; minus strand). Cytogenetic location: 1q41.
Variant type: single nucleotide variant.
Coding change: c.4758+3A>G on transcript NM_206933.4 (MANE Select); 3 bases into the intron after coding-DNA position 4758, A replaced by G.
Molecular consequence: intron variant.
Genome position (GRCh38, 1-based): chr1:216,097,080, T>C on the plus strand (A>G on the coding strand, the complement: USH2A is on the minus strand). VCF-style: chr1-216097080-T-C. GRCh37 (hg19) VCF-style: chr1-216270422-T-C.
Identifiers: ClinVar variation 156396 (VCV000156396.43), dbSNP rs117798425, ClinGen allele CA270793.

ClinVar aggregate classification (germline): Benign/Likely benign. Review status: criteria provided, multiple submitters, no conflicts (2 of 4 stars). 13 submissions from 12 submitters: Benign (4); Likely benign (6). 3 of the submissions do not count toward it. Last evaluated 2026-03-11.

Conditions:
USH2A-related disorder. Also called: USH2A-related condition; USH2A-related disorders. Identifiers: MedGen CN239332.
Usher syndrome type 2A. Also called: USHER SYNDROME, TYPE IIA; RETINAL DISEASE IN USHER SYNDROME TYPE IIA, MODIFIER OF. Identifiers: Orphanet 231178, Orphanet 886, MedGen C1848634, MONDO:0010169, OMIM 276901.
Retinitis pigmentosa 39 (RP39). Identifiers: Orphanet 791, MedGen C3151138, MONDO:0013436, OMIM 613809.
Leber congenital amaurosis (LCA). Also called: Leber's amaurosis. Identifiers: Orphanet 65, MedGen C0339527, MeSH D057130, MONDO:0018998.

Allele frequency attached by ClinVar (database versions not stated): TOPMed 0.00107; gnomAD exomes 0.00151 and 0.00054; ExAC 0.00152; 1000 Genomes Project 0.00280; 1000 Genomes Project 30x 0.00297; gnomAD 0.00056 and 0.00077; ESP Exome Variant Server 0.00008.
gnomAD v4.1: 917 of 1,613,506 alleles (0.057%); highest among the groups gnomAD compares: East Asian, 1.5%; 10 homozygotes.

Submissions (13):

Women's Health and Genetics/Laboratory Corporation of America, LabCorp
Classification: Benign. Last evaluated: 2026-03-11. Review status: criteria provided, single submitter. Criteria: LabCorp Variant Classification Summary - May 2015. Collection method: clinical testing. Allele origin: germline.
Comment: Variant summary: USH2A c.4758+3A>G alters a conserved nucleotide located close to a canonical splice site and therefore could affect mRNA splicing, leading to a significantly altered protein sequence. Several computational tools predict a significant impact on normal splicing: Four predict the variant weakens the canonical 5' donor site. One predict the variant no significant impact on splicing. At least one publication reports experimental evidence that this variant affects mRNA splicing by resulting in an enhenced and shortened product (p.Gln1586_Gly1587ins*5) in vitro. However the WT band still remained (Fadaie_2021). The variant allele was found at a frequency of 0.0015 in 249948 control chromosomes, predominantly at a frequency of 0.018 within the East Asian subpopulation in the gnomAD database, including 5 homozygotes. The observed variant frequency within East Asian control individuals in the gnomAD database exceeds the estimated maximal expected allele frequency for disease-causing variants in USH2A. c.4758+3A>G has been observed in individual(s) affected with Usher Syndrome (Aparisi_2014). These report(s) do not provide unequivocal conclusions about association of the variant with Usher Syndrome. At least one publication reports experimental evidence evaluating an impact on protein function, however, does not allow convincing conclusions about the variant effect. The following publications have been ascertained in the context of this evaluation (PMID: 25404053, 34795310). ClinVar contains an entry for this variant (Variation ID: 156396). Based on the evidence outlined above, the variant was classified as benign.

Labcorp Genetics (formerly Invitae), Labcorp
Classification: Benign. Last evaluated: 2026-02-02. Review status: criteria provided, single submitter. Criteria: Invitae Variant Classification Sherloc (09022015). Collection method: clinical testing. Allele origin: germline.

CeGaT Center for Human Genetics Tuebingen
Classification: Likely benign. Last evaluated: 2025-06-01. Review status: criteria provided, single submitter. Criteria: CeGaT Center For Human Genetics Tuebingen Variant Classification Criteria Version 2. Collection method: clinical testing. Allele origin: germline. Affected: yes. Observed: 2 variant alleles.
Comment: USH2A: BS1

Genome-Nilou Lab
Classification: Likely benign for Retinitis pigmentosa 39. Last evaluated: 2023-04-11. Review status: criteria provided, single submitter. Criteria: ACMG Guidelines, 2015. Collection method: clinical testing. Allele origin: germline. Affected: no.

Genome-Nilou Lab
Classification: Likely benign for Usher syndrome type 2A. Last evaluated: 2023-04-11. Review status: criteria provided, single submitter. Criteria: ACMG Guidelines, 2015. Collection method: clinical testing. Allele origin: germline. Affected: no.

Fulgent Genetics
Classification: Likely benign for Usher syndrome type 2A; Retinitis pigmentosa 39. Last evaluated: 2022-02-10. Review status: criteria provided, single submitter. Criteria: ACMG Guidelines, 2015. Collection method: clinical testing. Allele origin: unknown.

Mendelics
Classification: Likely benign for Usher syndrome type 2A. Last evaluated: 2019-05-28. Review status: criteria provided, single submitter. Criteria: Mendelics Assertion Criteria 2017. Collection method: clinical testing. Allele origin: unknown.

GeneDx
Classification: Benign. Last evaluated: 2018-12-20. Review status: criteria provided, single submitter. Criteria: GeneDx Variant Classification Process June 2021. Collection method: clinical testing. Allele origin: germline. Affected: yes.
Comment: This variant is associated with the following publications: (PMID: 25445212, 25404053, 30245029, 29625443, 31180159, 31904091, 32090030, 32893482, 33090715)

Laboratory for Molecular Medicine, Mass General Brigham Personalized Medicine
Classification: Benign. Last evaluated: 2017-11-22. Review status: criteria provided, single submitter. Criteria: LMM Criteria. Collection method: clinical testing. Allele origin: germline. Observed: 1 variant allele.
Comment: c.4758+3A>G in intron 22 of USH2A: This variant is not expected to have clinical significance because it has been identified in 1.9% (348/18756) of East Asian c hromosomes, including 4 homozygotes, by the Genome Aggregation Database (gnomAD; dbSNP rs117798425). ACMG/AMP Criteria applie d: BA1.

Eurofins Ntd Llc (ga)
Classification: Likely benign. Last evaluated: 2017-08-23. Review status: criteria provided, single submitter. Criteria: EGL Classification Definitions 2015. Collection method: clinical testing. Allele origin: germline. Observed: 1 variant allele, 1 heterozygote.

PreventionGenetics, part of Exact Sciences
Classification: Likely benign for USH2A-related condition. Last evaluated: 2024-08-26. Review status: no assertion criteria provided. Collection method: clinical testing. Allele origin: germline. Not counted in ClinVar's aggregate classification.
Comment: This variant is classified as likely benign based on ACMG/AMP sequence variant interpretation guidelines (Richards et al. 2015 PMID: 25741868, with internal and published modifications).

Natera, Inc.
Classification: Benign for Usher syndrome type 2A. Last evaluated: 2020-06-24. Review status: no assertion criteria provided. Collection method: clinical testing. Allele origin: germline. Not counted in ClinVar's aggregate classification.

Molecular Diagnostics Laboratory, Seoul National University Hospital
Classification: Uncertain significance for Leber congenital amaurosis. Last evaluated: 2014-09-18. Review status: no assertion criteria provided. Collection method: clinical testing. Allele origin: unknown. Affected: yes. Not counted in ClinVar's aggregate classification.

Literature cited by the submitters: PubMed 34795310 (cited by Women's Health and Genetics/Laboratory Corporation of America, LabCorp); PubMed 25404053 (cited by Women's Health and Genetics/Laboratory Corporation of America, LabCorp and Laboratory for Molecular Medicine, Mass General Brigham Personalized Medicine); PubMed 25445212 (cited by Laboratory for Molecular Medicine, Mass General Brigham Personalized Medicine); PubMed 25133751 (cited by Laboratory for Molecular Medicine, Mass General Brigham Personalized Medicine).